The following is an entry in ClinVar:

ClinVar aggregate classification (germline): Uncertain significance (1 of 4 stars; one submission).

gnomAD v4.1: 1 of 1,610,396 alleles (0.000062%); highest among the groups gnomAD compares: Non-Finnish European, 0.000085%; no homozygotes.

Submission:

GeneDx
Classification: Uncertain significance. Last evaluated: 2025-03-19. Review status: criteria provided, single submitter. Criteria: GeneDx Variant Classification Process June 2021. Collection method: clinical testing. Allele origin: germline. Affected: yes.
Comment: Not observed at significant frequency in large population cohorts (gnomAD); In silico analysis indicates that this missense variant does not alter protein structure/function; Has not been previously published as pathogenic or benign to our knowledge.

NM_013450.4(BAZ2B):c.5317A>G (p.Asn1773Asp)

Gene: BAZ2B (bromodomain adjacent to zinc finger domain 2B; minus strand). Cytogenetic location: 2q24.2.
Variant type: single nucleotide variant.
Coding change: c.5317A>G on transcript NM_013450.4 (MANE Select); coding-DNA position 5317, A replaced by G.
Protein change: p.Asn1773Asp; replaces asparagine 1773 with aspartic acid.
Molecular consequence: missense variant.
Genome position (GRCh38, 1-based): chr2:159,347,623, T>C on the plus strand (A>G on the coding strand, the complement: BAZ2B is on the minus strand). VCF-style: chr2-159347623-T-C. GRCh37 (hg19) VCF-style: chr2-160204134-T-C.
Other names: c.5209A>G, p.Asn1737Asp (NM_001289975.1); c.5155A>G, p.Asn1719Asp (NM_001329857.2); c.5242A>G, p.Asn1748Asp (NM_001329858.2); short protein forms N1719D, N1737D, N1748D, N1773D.
Identifiers: ClinVar variation 4086686 (VCV004086686.1).